The following is an entry in ClinVar:

ClinVar aggregate classification (germline): Pathogenic (1 of 4 stars; one submission).

Conditions:
Cardiovascular phenotype. Identifiers: MedGen CN230736.

Submission:

Ambry Genetics
Classification: Pathogenic for Cardiovascular phenotype. Last evaluated: 2022-11-21. Review status: criteria provided, single submitter. Criteria: Ambry Variant Classification Scheme 2023. Collection method: clinical testing. Allele origin: germline.
Comment: The c.5829_5832delACAG pathogenic mutation, located in coding exon 24 of the DSP gene, results from a deletion of 4 nucleotides at nucleotide positions 5829 to 5832, causing a translational frameshift with a predicted alternate stop codon (p.R1943Sfs*28). This alteration occurs at the 3' terminus of theDSP gene, is not expected to trigger nonsense-mediated mRNA decay, and impacts the last 929 amino acids (32%) of the protein. However, premature stop codons are typically deleterious in nature and the impacted region is critical for protein function (Ambry internal data). Alterations in DSP that result in haploinsufficiency or protein truncation have been reported in patients with arrhythmogenic right ventricular cardiomyopathy (ARVC) and dilated cardiomyopathy (DCM) (Fressart V et al. Europace. 2010;12(6):861-8; Elliott P et al. Circ Cardiovasc Genet. 2010;3(4):314-22; Quarta G et al. Circulation. 2011;123(23):2701-9; Garcia-Pavia P et al. Heart. 2011;97(21):1744-52; Rasmussen TB et al. Clin Genet. 2013;84(1):20-30; Pugh TJ et al. Genet Med. 2014;16(8):601-8). This variant is considered to be rare based on population cohorts in the Genome Aggregation Database (gnomAD). Based on the supporting evidence, this alteration is interpreted as a disease-causing mutation.

NM_004415.4(DSP):c.5829_5832del (p.Arg1943fs)

Gene: DSP (desmoplakin; plus strand). Cytogenetic location: 6p24.3.
Variant type: Deletion.
Coding change: c.5829_5832del on transcript NM_004415.4 (MANE Select); coding-DNA positions 5829 to 5832, 4 bases deleted (ACAG; older notation c.5829_5832delACAG).
Protein change: p.Arg1943fs; shifts the reading frame from arginine 1943.
Molecular consequence: frameshift variant.
Genome position (GRCh38, 1-based): chr6:7,583,091-7,583,094, ACAG deleted; deleting any 4 consecutive bases within chr6:7,583,088-7,583,094 gives the same sequence; the c. name uses the placement nearest the transcript's 3' end. VCF-style (leftmost placement, unchanged base first): chr6-7583087-TCAGA-T. GRCh37 (hg19) VCF-style: chr6-7583320-TCAGA-T.
Other names: c.4032_4035del, p.Arg1344fs (NM_001008844.3); c.4500_4503del, p.Arg1500fs (NM_001319034.2); short protein forms R1344fs, R1500fs, R1943fs.
Identifiers: ClinVar variation 2453238 (VCV002453238.2), dbSNP rs2533937802, ClinGen allele CA2580075513.